The following is an entry in ClinVar:

NM_033380.3(COL4A5):c.3605-2A>G

Gene: COL4A5 (collagen type IV alpha 5 chain; plus strand). Cytogenetic location: Xq22.3.
Variant type: single nucleotide variant.
Coding change: c.3605-2A>G on transcript NM_033380.3 (MANE Select); the canonical splice acceptor site of the intron before coding-DNA position 3605, A replaced by G.
Molecular consequence: splice acceptor variant.
Genome position (GRCh38, 1-based): chrX:108,668,317, A>G. VCF-style: chrX-108668317-A-G. GRCh37 (hg19) VCF-style: chrX-107911547-A-G.
Other names: c.3605-2A>G (NM_000495.5).
Identifiers: ClinVar variation 2138707 (VCV002138707.4), dbSNP rs104886385, ClinGen allele CA258905.

ClinVar aggregate classification (germline): Pathogenic (1 of 4 stars; one submission).

Submission:

Labcorp Genetics (formerly Invitae), Labcorp
Classification: Pathogenic. Last evaluated: 2022-01-17. Review status: criteria provided, single submitter. Criteria: Invitae Variant Classification Sherloc (09022015). Collection method: clinical testing. Allele origin: germline.
Comment: For these reasons, this variant has been classified as Pathogenic. Algorithms developed to predict the effect of sequence changes on RNA splicing suggest that this variant may disrupt the consensus splice site. This variant is also known as a3807-2→g. Disruption of this splice site has been observed in individuals with Alport syndrome (PMID: 8940267, 12105244). This variant is not present in population databases (gnomAD no frequency). This sequence change affects an acceptor splice site in intron 40 of the COL4A5 gene. It is expected to disrupt RNA splicing. Variants that disrupt the donor or acceptor splice site typically lead to a loss of protein function (PMID: 16199547), and loss-of-function variants in COL4A5 are known to be pathogenic (PMID: 9195222, 10752524, 14514738, 24854265, 26809805).

Literature cited by the submitters: PubMed 8940267; PubMed 12105244; PubMed 16199547; PubMed 9195222; PubMed 10752524; PubMed 14514738; PubMed 24854265; PubMed 26809805.